The following is an entry in ClinVar:

ClinVar aggregate classification (germline): Uncertain significance (1 of 4 stars; one submission).

Submission:

GeneDx
Classification: Uncertain significance. Last evaluated: 2026-03-18. Review status: criteria provided, single submitter. Criteria: GeneDx Variant Classification Process June 2021. Collection method: clinical testing. Allele origin: germline.
Comment: Not observed at significant frequency in large population cohorts (gnomAD); In silico analysis suggests that this missense variant does not alter protein structure/function; Has not been previously published as pathogenic or benign to our knowledge

NM_015057.5(MYCBP2):c.4388G>A (p.Gly1463Asp)

Gene: MYCBP2 (MYC binding protein 2; minus strand). Cytogenetic location: 13q22.3.
Variant type: single nucleotide variant.
Coding change: c.4388G>A on transcript NM_015057.5 (MANE Select); coding-DNA position 4388, G replaced by A.
Protein change: p.Gly1463Asp; replaces glycine 1463 with aspartic acid.
Molecular consequence: missense variant.
Genome position (GRCh38, 1-based): chr13:77,185,927, C>T on the plus strand (G>A on the coding strand, the complement: MYCBP2 is on the minus strand). VCF-style: chr13-77185927-C-T. GRCh37 (hg19) VCF-style: chr13-77760062-C-T.
Other names: short protein forms G1463D.
Identifiers: ClinVar variation 5008980 (VCV005008980.1).